The following is an entry in ClinVar:

NM_000747.3(CHRNB1):c.419G>T (p.Arg140Leu)

Gene: CHRNB1 (cholinergic receptor nicotinic beta 1 subunit; plus strand). Cytogenetic location: 17p13.1.
Variant type: single nucleotide variant.
Coding change: c.419G>T on transcript NM_000747.3 (MANE Select); coding-DNA position 419, G replaced by T.
Protein change: p.Arg140Leu; replaces arginine 140 with leucine.
Molecular consequence: missense variant.
Genome position (GRCh38, 1-based): chr17:7,447,108, G>T. VCF-style: chr17-7447108-G-T. GRCh37 (hg19) VCF-style: chr17-7350427-G-T.
Other names: short protein forms R140L.
Identifiers: ClinVar variation 1314152 (VCV001314152.8), dbSNP rs140086721, ClinGen allele CA8347768.

ClinVar aggregate classification (germline): Uncertain significance. Review status: criteria provided, multiple submitters, no conflicts (2 of 4 stars). 3 submissions from 3 submitters: Uncertain significance (3). Last evaluated 2025-05-27.

Conditions:
Congenital myasthenic syndrome 2A. Also called: Myasthenic syndrome, congenital, 2a, slow-channel. Identifiers: Orphanet 590, MedGen C4225374, MONDO:0014581, OMIM 616313.
Inborn genetic diseases. Identifiers: MedGen C0950123, MeSH D030342.

Allele frequency attached by ClinVar (database versions not stated): gnomAD exomes 0.00005; ESP Exome Variant Server 0.00008; ExAC 0.00005.
gnomAD v4.1: 219 of 1,614,042 alleles (0.014%); highest among the groups gnomAD compares: Non-Finnish European, 0.018%; no homozygotes.

Submissions (3):

Labcorp Genetics (formerly Invitae), Labcorp
Classification: Uncertain significance for Congenital myasthenic syndrome 2A. Last evaluated: 2025-05-27. Review status: criteria provided, single submitter. Criteria: Invitae Variant Classification Sherloc (09022015). Collection method: clinical testing. Allele origin: germline.
Comment: This sequence change replaces arginine, which is basic and polar, with leucine, which is neutral and non-polar, at codon 140 of the CHRNB1 protein (p.Arg140Leu). This variant is present in population databases (rs140086721, gnomAD 0.009%). This variant has not been reported in the literature in individuals affected with CHRNB1-related conditions. ClinVar contains an entry for this variant (Variation ID: 1314152). Invitae Evidence Modeling of protein sequence and biophysical properties (such as structural, functional, and spatial information, amino acid conservation, physicochemical variation, residue mobility, and thermodynamic stability) indicates that this missense variant is not expected to disrupt CHRNB1 protein function with a negative predictive value of 80%. In summary, the available evidence is currently insufficient to determine the role of this variant in disease. Therefore, it has been classified as a Variant of Uncertain Significance.

Ambry Genetics
Classification: Uncertain significance for Inborn genetic diseases. Last evaluated: 2021-08-10. Review status: criteria provided, single submitter. Criteria: Ambry Variant Classification Scheme 2023. Collection method: clinical testing. Allele origin: germline.

GeneDx
Classification: Uncertain significance. Last evaluated: 2021-03-05. Review status: criteria provided, single submitter. Criteria: GeneDx Variant Classification Process June 2021. Collection method: clinical testing. Allele origin: germline. Affected: yes.
Comment: In silico analysis supports that this missense variant does not alter protein structure/function; Has not been previously published as pathogenic or benign to our knowledge